The following is an entry in ClinVar:

NM_003482.4(KMT2D):c.12335G>A (p.Gly4112Asp)

Gene: KMT2D (lysine methyltransferase 2D; minus strand). Cytogenetic location: 12q13.12.
Variant type: single nucleotide variant.
Coding change: c.12335G>A on transcript NM_003482.4 (MANE Select); coding-DNA position 12335, G replaced by A.
Protein change: p.Gly4112Asp; replaces glycine 4112 with aspartic acid.
Molecular consequence: missense variant.
Genome position (GRCh38, 1-based): chr12:49,032,370, C>T on the plus strand (G>A on the coding strand, the complement: KMT2D is on the minus strand). VCF-style: chr12-49032370-C-T. GRCh37 (hg19) VCF-style: chr12-49426153-C-T.
Other names: short protein forms G4112D.
Identifiers: ClinVar variation 4847520 (VCV004847520.1).

ClinVar aggregate classification (germline): Uncertain significance (1 of 4 stars; one submission).

Submission:

Women's Health and Genetics/Laboratory Corporation of America, LabCorp
Classification: Uncertain significance. Last evaluated: 2026-03-03. Review status: criteria provided, single submitter. Criteria: LabCorp Variant Classification Summary - May 2015. Collection method: clinical testing. Allele origin: germline.
Comment: Variant summary: KMT2D c.12335G>A (p.Gly4112Asp) results in a non-conservative amino acid change in the encoded protein sequence. Algorithms developed to predict the effect of missense changes on protein structure and function are either unavailable or do not agree on the potential impact of this missense change. The variant was absent in 244522 control chromosomes. The available data on variant occurrences in the general population are insufficient to allow any conclusion about variant significance. To our knowledge, no occurrence of c.12335G>A in individuals affected with KMT2D-related conditions and no experimental evidence demonstrating its impact on protein function have been reported. No submitters have cited clinical-significance assessments for this variant to ClinVar. Based on the evidence outlined above, the variant was classified as uncertain significance.